The following is an entry in ClinVar:

ClinVar aggregate classification (germline): Uncertain significance. Review status: criteria provided, multiple submitters, no conflicts (2 of 4 stars). 2 submissions from 2 submitters: Uncertain significance (2). Last evaluated 2024-03-20.

Conditions:
Congenital contractural arachnodactyly (CCA). Also called: Beals-Hecht syndrome; BEALS SYNDROME; Arthrogryposis, distal, type 9. Identifiers: Orphanet 115, MedGen C0220668, MONDO:0007363, OMIM 121050.

Submissions (2):

GeneDx
Classification: Uncertain significance. Last evaluated: 2024-03-20. Review status: criteria provided, single submitter. Criteria: GeneDx Variant Classification Process June 2021. Collection method: clinical testing. Allele origin: germline. Affected: yes.
Comment: Not observed at significant frequency in large population cohorts (gnomAD); Canonical splice site variant in a gene or region of a gene for which loss of function is not a well-established mechanism of disease; Has not been previously published as pathogenic or benign to our knowledge

Labcorp Genetics (formerly Invitae), Labcorp
Classification: Uncertain significance for Congenital contractural arachnodactyly. Last evaluated: 2017-12-04. Review status: criteria provided, single submitter. Criteria: Invitae Variant Classification Sherloc (09022015). Collection method: clinical testing. Allele origin: germline.
Comment: This variant is not present in population databases (ExAC no frequency). This variant has not been reported in the literature in individuals with FBN2-related disease. Algorithms developed to predict the effect of sequence changes on RNA splicing suggest that this variant may disrupt the consensus splice site, but this prediction has not been confirmed by published transcriptional studies. The current clinical and genetic evidence is not sufficient to establish whether loss-of-function variants in FBN2 cause disease. In summary, the available evidence is currently insufficient to determine the role of this variant in disease. Therefore, it has been classified as a Variant of Uncertain Significance. This sequence change affects an acceptor splice site in intron 34 of the FBN2 gene. It is expected to disrupt RNA splicing and likely results in an absent or disrupted protein product.

NM_001999.4(FBN2):c.4472-2A>G

Gene: FBN2 (fibrillin 2; minus strand). Cytogenetic location: 5q23.3.
Variant type: single nucleotide variant.
Coding change: c.4472-2A>G on transcript NM_001999.4 (MANE Select); the canonical splice acceptor site of the intron before coding-DNA position 4472, A replaced by G.
Molecular consequence: splice acceptor variant.
Genome position (GRCh38, 1-based): chr5:128,319,003, T>C on the plus strand (A>G on the coding strand, the complement: FBN2 is on the minus strand). VCF-style: chr5-128319003-T-C. GRCh37 (hg19) VCF-style: chr5-127654695-T-C.
Identifiers: ClinVar variation 528422 (VCV000528422.8), dbSNP rs1554121102, ClinGen allele CA360750963.